The following is an entry in ClinVar:

NM_002230.4(JUP):c.1904A>C (p.His635Pro)

Gene: JUP (junction plakoglobin; minus strand). Cytogenetic location: 17q21.2.
Variant type: single nucleotide variant.
Coding change: c.1904A>C on transcript NM_002230.4 (MANE Select); coding-DNA position 1904, A replaced by C.
Protein change: p.His635Pro; replaces histidine 635 with proline.
Molecular consequence: missense variant.
Genome position (GRCh38, 1-based): chr17:41,757,654, T>G on the plus strand (A>C on the coding strand, the complement: JUP is on the minus strand). VCF-style: chr17-41757654-T-G. GRCh37 (hg19) VCF-style: chr17-39913906-T-G.
Other names: c.1904A>C, p.His635Pro (NM_001352773.2, NM_001352774.2, NM_001352775.2 and 3 more transcripts); short protein forms H635P.
Identifiers: ClinVar variation 4786277 (VCV004786277.1).

ClinVar aggregate classification (germline): Uncertain significance (1 of 4 stars; one submission).

Conditions:
Arrhythmogenic right ventricular dysplasia 12. Also called: ARRHYTHMOGENIC RIGHT VENTRICULAR DYSPLASIA, FAMILIAL, 12. Identifiers: MedGen C1969081, MONDO:0012684, OMIM 611528.
Naxos disease (NXD). Also called: WOOLLY HAIR, PALMOPLANTAR KERATODERMA, AND CARDIAC ABNORMALITIES; KERATOSIS PALMOPLANTARIS WITH ARRHYTHMOGENIC CARDIOMYOPATHY; MAL DE NAXOS; PALMOPLANTAR KERATODERMA WITH ARRHYTHMOGENIC RIGHT VENTRICULAR CARDIOMYOPATHY AND WOOLLY HAIR; CARDIOMYOPATHY, ARRHYTHMOGENIC RIGHT VENTRICULAR, WITH SKIN, HAIR, AND NAIL ABNORMALITIES. Identifiers: Orphanet 34217, MedGen C1832600, MONDO:0011017, OMIM 601214.

Submission:

Labcorp Genetics (formerly Invitae), Labcorp
Classification: Uncertain significance for Arrhythmogenic right ventricular dysplasia 12; Naxos disease. Last evaluated: 2025-10-01. Review status: criteria provided, single submitter. Criteria: Invitae Variant Classification Sherloc (09022015). Collection method: clinical testing. Allele origin: germline.
Comment: This sequence change replaces histidine, which is basic and polar, with proline, which is neutral and non-polar, at codon 635 of the JUP protein (p.His635Pro). This variant is not present in population databases (gnomAD no frequency). This variant has not been reported in the literature in individuals affected with JUP-related conditions. An algorithm developed to predict the effect of missense changes on protein structure and function (PolyPhen-2) suggests that this variant is likely to be disruptive. In summary, the available evidence is currently insufficient to determine the role of this variant in disease. Therefore, it has been classified as a Variant of Uncertain Significance.